The following is an entry in ClinVar:

NC_000012.12:g.51920759del

Gene: ACVRL1 (activin A receptor like type 1; plus strand). Cytogenetic location: 12q13.13.
Variant type: Deletion.
Genome position: GRCh38 VCF-style: chr12-51920757-AG-A. GRCh37 (hg19) VCF-style: chr12-52314541-AG-A.
Identifiers: ClinVar variation 4715063 (VCV004715063.1).

ClinVar aggregate classification (germline): Pathogenic (1 of 4 stars; one submission).

Conditions:
Telangiectasia, hereditary hemorrhagic, type 2 (HHT2). Also called: Telangiectasia, hereditary hemorrhagic, type II; ACVRL1-Related Hereditary Hemorrhagic Telangiectasia. Identifiers: Orphanet 774, MedGen C1838163, MONDO:0010880, OMIM 600376. Disease mechanism: loss of function.

Submission:

Labcorp Genetics (formerly Invitae), Labcorp
Classification: Pathogenic for Telangiectasia, hereditary hemorrhagic, type 2. Last evaluated: 2025-06-01. Review status: criteria provided, single submitter. Criteria: Invitae Variant Classification Sherloc (09022015). Collection method: clinical testing. Allele origin: germline.
Comment: This sequence change creates a premature translational stop signal (p.Val460Serfs*5) in the ACVRL1 gene. While this is not anticipated to result in nonsense mediated decay, it is expected to disrupt the last 44 amino acid(s) of the ACVRL1 protein. This variant is not present in population databases (gnomAD no frequency). This variant has not been reported in the literature in individuals affected with ACVRL1-related conditions. Algorithms developed to predict the effect of sequence changes on RNA splicing suggest that this variant may disrupt the consensus splice site. This variant disrupts a region of the ACVRL1 protein in which other variant(s) (p.Gln490*) have been determined to be pathogenic (PMID: 11484689, 16429404, 24603890). This suggests that this is a clinically significant region of the protein, and that variants that disrupt it are likely to be disease-causing. For these reasons, this variant has been classified as Pathogenic.

Literature cited by the submitters: PubMed 11484689; PubMed 16429404; PubMed 24603890.